The following is an entry in ClinVar:

ClinVar aggregate classification (germline): Uncertain significance (1 of 4 stars; one submission).

Conditions:
Granulomatous disease, chronic, X-linked. Also called: CYTOCHROME b-NEGATIVE GRANULOMATOUS DISEASE, CHRONIC, X-LINKED; GRANULOMATOUS DISEASE, CHRONIC, X-LINKED, SOMATIC MOSAIC. Identifiers: Orphanet 379, MedGen C1844376, MONDO:0010600, OMIM 306400.

Submission:

Labcorp Genetics (formerly Invitae), Labcorp
Classification: Uncertain significance for Granulomatous disease, chronic, X-linked. Last evaluated: 2021-11-27. Review status: criteria provided, single submitter. Criteria: Invitae Variant Classification Sherloc (09022015). Collection method: clinical testing. Allele origin: germline.
Comment: This sequence change replaces histidine, which is basic and polar, with threonine, which is neutral and polar, at codon 119 of the CYBB protein (p.His119Thr). Information on the frequency of this variant in the gnomAD database is not available, as this variant may be reported differently in the database. This variant has not been reported in the literature in individuals affected with CYBB-related conditions. Algorithms developed to predict the effect of missense changes on protein structure and function are either unavailable or do not agree on the potential impact of this missense change (SIFT: "Not Available"; PolyPhen-2: "Probably Damaging"; Align-GVGD: "Not Available"). In summary, the available evidence is currently insufficient to determine the role of this variant in disease. Therefore, it has been classified as a Variant of Uncertain Significance.

NM_000397.4(CYBB):c.355_356delinsAC (p.His119Thr)

Gene: CYBB (cytochrome b-245 beta chain; plus strand). Cytogenetic location: Xp21.1.
Variant type: Indel.
Coding change: c.355_356delinsAC on transcript NM_000397.4 (MANE Select); coding-DNA positions 355 to 356, CA replaced by AC.
Protein change: p.His119Thr; replaces histidine 119 with threonine.
Molecular consequence: missense variant.
Genome position (GRCh38, 1-based): chrX:37,793,682-37,793,683, CA replaced by AC. VCF-style: chrX-37793682-CA-AC. GRCh37 (hg19) VCF-style: chrX-37652935-CA-AC.
Other names: short protein forms H119T.
Identifiers: ClinVar variation 1395397 (VCV001395397.6), dbSNP rs2146810227, ClinGen allele CA2573158770.
Genomic context (GRCh38, chrX:37,793,682, plus strand): 5'-CATACCCTTCATTCTCTTTGTTTCTCTTCTCTGCCCTTTTCAGCGATTCACACCATTGCA[CA>AC]TCTATTTAATGTGGAATGGTGTGTGAATGCCCGAGTCAATAATTCTGATCCTTATTCAGT-3'
Protein context (NP_000388.2, residues 109-129): ALHSAIHTIA[His119Thr]LFNVEWCVNA